The following is an entry in ClinVar:

ClinVar aggregate classification (germline): Uncertain significance (1 of 4 stars; one submission).

Conditions:
Autosomal recessive limb-girdle muscular dystrophy type 2J (LGMDR10). Also called: Limb-girdle muscular dystrophy, type 2J; MUSCULAR DYSTROPHY, LIMB-GIRDLE, AUTOSOMAL RECESSIVE 10. Identifiers: Orphanet 140922, MedGen C1837342, MONDO:0012127, OMIM 608807.
Dilated cardiomyopathy 1G (CMD1G). Identifiers: Orphanet 154, MedGen C1858763, MONDO:0011400, OMIM 604145.

gnomAD v4.1: 2 of 1,613,562 alleles (0.00012%); highest among the groups gnomAD compares: South Asian, 0.0022%; no homozygotes.

Submission:

Labcorp Genetics (formerly Invitae), Labcorp
Classification: Uncertain significance for Dilated cardiomyopathy 1G; Autosomal recessive limb-girdle muscular dystrophy type 2J. Last evaluated: 2026-01-16. Review status: criteria provided, single submitter. Criteria: Invitae Variant Classification Sherloc (09022015). Collection method: clinical testing. Allele origin: germline.
Comment: This sequence change replaces alanine, which is neutral and non-polar, with valine, which is neutral and non-polar, at codon 34917 of the TTN protein (p.Ala34917Val). This variant is present in population databases (rs774157230, gnomAD 0.007%). This variant has not been reported in the literature in individuals affected with TTN-related conditions. Experimental studies and prediction algorithms are not available or were not evaluated, and the functional significance of this variant is currently unknown. This variant is located in the M band of TTN (PMID: 25589632). Non-truncating variants in this region may be relevant for neuromuscular disorders, but have not been definitively shown to cause cardiomyopathy (PMID: 23975875). In summary, the available evidence is currently insufficient to determine the role of this variant in disease. Therefore, it has been classified as a Variant of Uncertain Significance.

Literature cited by the submitters: PubMed 25589632; PubMed 23975875.

NM_001267550.2(TTN):c.104750C>T (p.Ala34917Val)

Genes: TTN (titin; minus strand), TTN-AS1 (TTN antisense RNA 1; plus strand). Cytogenetic location: 2q31.2.
Variant type: single nucleotide variant.
Coding change: c.104750C>T on transcript NM_001267550.2 (MANE Select); coding-DNA position 104750, C replaced by T.
Protein change: p.Ala34917Val; replaces alanine 34917 with valine.
Molecular consequence: missense variant.
Genome position (GRCh38, 1-based): chr2:178,531,865, G>A on the plus strand (C>T on the coding strand, the complement: TTN is on the minus strand). VCF-style: chr2-178531865-G-A. GRCh37 (hg19) VCF-style: chr2-179396592-G-A.
Other names: c.99827C>T, p.Ala33276Val (NM_001256850.1); c.77555C>T, p.Ala25852Val (NM_003319.4); c.97046C>T, p.Ala32349Val (NM_133378.4); c.77930C>T, p.Ala25977Val (NM_133432.3); c.78131C>T, p.Ala26044Val (NM_133437.4); short protein forms A25977V, A25852V, A32349V, A33276V, A34917V, A26044V.
Identifiers: ClinVar variation 4786203 (VCV004786203.1).